The following is an entry in ClinVar:

ClinVar aggregate classification (germline): Likely benign (0 of 4 stars; one submission).

Conditions:
SHROOM3-related disorder. Also called: SHROOM3-related condition.

Allele frequency attached by ClinVar (database versions not stated): ExAC 0.00008; TOPMed 0.00009; gnomAD exomes 0.00011; gnomAD 0.00013.
gnomAD v4.1: 168 of 1,547,378 alleles (0.011%); highest among the groups gnomAD compares: Middle Eastern, 0.017%; no homozygotes.

Submission:

PreventionGenetics, part of Exact Sciences
Classification: Likely benign for SHROOM3-related condition. Last evaluated: 2019-06-25. Review status: no assertion criteria provided. Collection method: clinical testing. Allele origin: germline.
Comment: This variant is classified as likely benign based on ACMG/AMP sequence variant interpretation guidelines (Richards et al. 2015 PMID: 25741868, with internal and published modifications).

NM_020859.4(SHROOM3):c.2928C>T (p.Ser976=)

Genes: SHROOM3 (shroom family member 3; plus strand), SHROOM3-AS1 (SHROOM3 antisense RNA 1; minus strand). Cytogenetic location: 4q21.1.
Variant type: single nucleotide variant.
Coding change: c.2928C>T on transcript NM_020859.4 (MANE Select); coding-DNA position 2928, C replaced by T.
Protein change: p.Ser976=; no amino-acid change (serine 976 retained).
Molecular consequence: synonymous variant.
Genome position (GRCh38, 1-based): chr4:76,741,101, C>T. VCF-style: chr4-76741101-C-T. GRCh37 (hg19) VCF-style: chr4-77662254-C-T.
Identifiers: ClinVar variation 3042693 (VCV003042693.2), dbSNP rs752962385, ClinGen allele CA2972669.
Genomic context (GRCh38, chr4:76,741,101, plus strand): 5'-CTGGCGGCCACGGCCTTCCTCGGCCCACGTGGGGCTGCGGAGCCCCGAGGCGTCGGCCTC[C>T]GCCTCCCCGCACACGCCCCGGGAGCGGCACAGCGTGACCCCTGCTGAGGGCGACCTGGCC-3'
Protein context (NP_065910.3, residues 966-986): VGLRSPEASA[Ser976=]ASPHTPRERH